The following is an entry in ClinVar:

NM_000038.6(APC):c.4860del (p.Gln1621fs)

Gene: APC (APC regulator of Wnt signaling pathway; plus strand). Cytogenetic location: 5q22.2.
Variant type: Deletion.
Coding change: c.4860del on transcript NM_000038.6 (MANE Select); coding-DNA position 4860, one base deleted (A; older notation c.4860delA).
Protein change: p.Gln1621fs; shifts the reading frame from glutamine 1621.
Molecular consequence: frameshift variant. On other transcripts: non-coding transcript variant (2).
Genome position (GRCh38, 1-based): chr5:112,840,454, A deleted. VCF-style (leftmost placement, unchanged base first): chr5-112840453-CA-C. GRCh37 (hg19) VCF-style: chr5-112176150-CA-C.
Other names: c.4860del, p.Gln1621fs (NM_001127510.3, NM_001354895.2, NM_001407450.1); c.4806del, p.Gln1603fs (NM_001127511.3); c.4914del, p.Gln1639fs (NM_001354896.2, NM_001407447.1, NM_001407448.1 and 1 more transcripts); c.4890del, p.Gln1631fs (NM_001354897.2); c.4785del, p.Gln1596fs (NM_001354898.2); c.4776del, p.Gln1593fs (NM_001354899.2); c.4737del, p.Gln1580fs (NM_001354900.2); c.4683del, p.Gln1562fs (NM_001354901.2, NM_001407453.1); and 11 more; short protein forms Q1237fs, Q1338fs, Q1461fs, Q1492fs, Q1495fs, Q1520fs, Q1530fs, Q1538fs.
Identifiers: ClinVar variation 2583228 (VCV002583228.2), dbSNP rs2533604412, ClinGen allele CA2582341385.

ClinVar aggregate classification (germline): Pathogenic (1 of 4 stars; one submission).

Conditions:
Familial adenomatous polyposis 1 (FAP1). Also called: POLYPOSIS, ADENOMATOUS INTESTINAL; FAMILIAL ADENOMATOUS POLYPOSIS 1, ATTENUATED. Identifiers: MedGen C2713442, MONDO:0021056, OMIM 175100. Disease mechanism: loss of function.

Submission:

Myriad Genetics, Inc.
Classification: Pathogenic for Familial adenomatous polyposis 1. Last evaluated: 2023-05-12. Review status: criteria provided, single submitter. Criteria: Myriad Autosomal Dominant, Autosomal Recessive and X-Linked Classification Criteria (2023). Collection method: clinical testing. Allele origin: unknown.
Comment: This variant is considered pathogenic. This variant creates a frameshift predicted to result in premature protein truncation.